The following is an entry in ClinVar:

NM_001384732.1(CPLANE1):c.5960C>G (p.Thr1987Arg)

Gene: CPLANE1 (ciliogenesis and planar polarity effector complex subunit 1; minus strand). Cytogenetic location: 5p13.2.
Variant type: single nucleotide variant.
Coding change: c.5960C>G on transcript NM_001384732.1 (MANE Select); coding-DNA position 5960, C replaced by G.
Protein change: p.Thr1987Arg; replaces threonine 1987 with arginine.
Molecular consequence: missense variant.
Genome position (GRCh38, 1-based): chr5:37,175,927, G>C on the plus strand (C>G on the coding strand, the complement: CPLANE1 is on the minus strand). VCF-style: chr5-37175927-G-C. GRCh37 (hg19) VCF-style: chr5-37176029-G-C.
Other names: c.5960C>G, p.Thr1987Arg (NM_023073.4); short protein forms T1987R.
Identifiers: ClinVar variation 2051406 (VCV002051406.2), dbSNP rs141126113, ClinGen allele CA3238381.

ClinVar aggregate classification (germline): Uncertain significance (1 of 4 stars; one submission).

Allele frequency attached by ClinVar (database versions not stated): 1000 Genomes Project 30x 0.00016; 1000 Genomes Project 0.00020.
gnomAD v4.1: 10 of 1,612,558 alleles (0.00062%); highest among the groups gnomAD compares: East Asian, 0.02%; no homozygotes.

Submission:

Labcorp Genetics (formerly Invitae), Labcorp
Classification: Uncertain significance. Last evaluated: 2022-02-08. Review status: criteria provided, single submitter. Criteria: Invitae Variant Classification Sherloc (09022015). Collection method: clinical testing. Allele origin: germline.
Comment: This variant has not been reported in the literature in individuals affected with CPLANE1-related conditions. In summary, the available evidence is currently insufficient to determine the role of this variant in disease. Therefore, it has been classified as a Variant of Uncertain Significance. Advanced modeling of protein sequence and biophysical properties (such as structural, functional, and spatial information, amino acid conservation, physicochemical variation, residue mobility, and thermodynamic stability) performed at Invitae indicates that this missense variant is not expected to disrupt CPLANE1 protein function. This variant is present in population databases (rs141126113, gnomAD 0.03%). This sequence change replaces threonine, which is neutral and polar, with arginine, which is basic and polar, at codon 1987 of the CPLANE1 protein (p.Thr1987Arg).